The following is an entry in ClinVar:

NM_001927.4(DES):c.579-38C>T

Gene: DES (desmin; plus strand). Cytogenetic location: 2q35.
Variant type: single nucleotide variant.
Coding change: c.579-38C>T on transcript NM_001927.4 (MANE Select); 38 bases into the intron before coding-DNA position 579, C replaced by T.
Molecular consequence: intron variant.
Genome position (GRCh38, 1-based): chr2:219,420,057, C>T. VCF-style: chr2-219420057-C-T. GRCh37 (hg19) VCF-style: chr2-220284779-C-T.
Other names: c.579-38C>T (LRG_380t1).
Identifiers: ClinVar variation 258491 (VCV000258491.8), dbSNP rs12991025, ClinGen allele CA2125081.

ClinVar aggregate classification (germline): Benign. Review status: criteria provided, multiple submitters, no conflicts (2 of 4 stars). 7 submissions from 5 submitters: Benign (7). Last evaluated 2026-09-21.

Conditions:
Dilated cardiomyopathy 1I (CMD1I). Identifiers: Orphanet 154, MedGen C1858154, MONDO:0011482, OMIM 604765.
Neurogenic scapuloperoneal syndrome, Kaeser type (SCPNK). Also called: KAESER SYNDROME. Identifiers: Orphanet 85146, MedGen C1867005, MONDO:0008407, OMIM 181400.
Desmin-related myofibrillar myopathy (MFM1). Also called: MYOFIBRILLAR MYOPATHY WITH ARRHYTHMOGENIC RIGHT VENTRICULAR CARDIOMYOPATHY; DESMIN-RELATED MYOPATHY WITH ARRHYTHMOGENIC RIGHT VENTRICULAR CARDIOMYOPATHY; Myofibrillar myopathy 1; Desminopathy; Desmin storage myopathy (former name); Desmin related myopathy (former name). Identifiers: Orphanet 363543, Orphanet 98909, MedGen C1832370, MONDO:0011076, OMIM 601419.

Allele frequency attached by ClinVar (database versions not stated): TOPMed 0.48781; gnomAD 0.50005 and 0.51355; 1000 Genomes Project 0.52935; ESP Exome Variant Server 0.47962; gnomAD exomes 0.62736 and 0.63614; 1000 Genomes Project 30x 0.51702; ExAC 0.61694.

Submissions (7):

Molecular Diagnostic Laboratory for Inherited Cardiovascular Disease, Montreal Heart Institute
Classification: Benign. Last evaluated: 2026-09-21. Review status: criteria provided, single submitter. Criteria: ACMG Guidelines, 2015. Collection method: clinical testing. Allele origin: germline. Affected: no.

Genome-Nilou Lab
Classification: Benign for Dilated cardiomyopathy 1I. Last evaluated: 2021-07-30. Review status: criteria provided, single submitter. Criteria: ACMG Guidelines, 2015. Collection method: clinical testing. Allele origin: germline. Affected: no.

Genome-Nilou Lab
Classification: Benign for Desmin-related myofibrillar myopathy. Last evaluated: 2021-07-30. Review status: criteria provided, single submitter. Criteria: ACMG Guidelines, 2015. Collection method: clinical testing. Allele origin: germline. Affected: no.

Genome-Nilou Lab
Classification: Benign for Neurogenic scapuloperoneal syndrome, Kaeser type. Last evaluated: 2021-07-30. Review status: criteria provided, single submitter. Criteria: ACMG Guidelines, 2015. Collection method: clinical testing. Allele origin: germline. Affected: no.

GeneDx
Classification: Benign. Last evaluated: 2018-06-13. Review status: criteria provided, single submitter. Criteria: GeneDx Variant Classification (06012015). Collection method: clinical testing. Allele origin: germline. Affected: yes.
Comment: This variant is considered likely benign or benign based on one or more of the following criteria: it is a conservative change, it occurs at a poorly conserved position in the protein, it is predicted to be benign by multiple in silico algorithms, and/or has population frequency not consistent with disease.

Breakthrough Genomics
Classification: Benign. Review status: criteria provided, single submitter. Criteria: ACMG Guidelines, 2015. Collection method: not provided. Allele origin: germline. Inheritance: Autosomal recessive inheritance. Affected: yes.

PreventionGenetics, part of Exact Sciences
Classification: Benign. Review status: criteria provided, single submitter. Criteria: ACMG Guidelines, 2015. Collection method: clinical testing. Allele origin: germline.